The following is an entry in ClinVar:

ClinVar aggregate classification (germline): Uncertain significance (1 of 4 stars; one submission).

Conditions:
Hereditary cancer-predisposing syndrome. Also called: Hereditary Cancer Syndrome; Hereditary neoplastic syndrome; Neoplastic Syndromes, Hereditary; Tumor predisposition. Identifiers: Orphanet 140162, MedGen C0027672, MeSH D009386, MONDO:0015356.

Allele frequency attached by ClinVar (database versions not stated): gnomAD exomes below 0.00001; ExAC 0.00001.
gnomAD v4.1: 1 of 1,614,094 alleles (0.000062%); highest among the groups gnomAD compares: South Asian, 0.0011%; no homozygotes.

Submission:

Ambry Genetics
Classification: Uncertain significance for Hereditary cancer-predisposing syndrome. Last evaluated: 2021-03-09. Review status: criteria provided, single submitter. Criteria: Ambry Variant Classification Scheme 2023. Collection method: clinical testing. Allele origin: germline.
Comment: The p.P395T variant (also known as c.1183C>A), located in coding exon 4 of the BARD1 gene, results from a C to A substitution at nucleotide position 1183. The proline at codon 395 is replaced by threonine, an amino acid with highly similar properties. This amino acid position is not well conserved in available vertebrate species. In addition, this alteration is predicted to be tolerated by in silico analysis. Since supporting evidence is limited at this time, the clinical significance of this alteration remains unclear.

NM_000465.4(BARD1):c.1183C>A (p.Pro395Thr)

Gene: BARD1 (BRCA1 associated RING domain 1; minus strand). Cytogenetic location: 2q35.
Variant type: single nucleotide variant.
Coding change: c.1183C>A on transcript NM_000465.4 (MANE Select); coding-DNA position 1183, C replaced by A.
Protein change: p.Pro395Thr; replaces proline 395 with threonine.
Molecular consequence: missense variant. On other transcripts: non-coding transcript variant (2), intron variant (3).
Genome position (GRCh38, 1-based): chr2:214,780,691, G>T on the plus strand (C>A on the coding strand, the complement: BARD1 is on the minus strand). VCF-style: chr2-214780691-G-T. GRCh37 (hg19) VCF-style: chr2-215645415-G-T.
Other names: c.1126C>A, p.Pro376Thr (NM_001282543.2); c.159-28136C>A (NM_001282548.2); c.215+16370C>A (NM_001282545.2); c.364+11606C>A (NM_001282549.2); short protein forms P376T, P395T.
Identifiers: ClinVar variation 1742721 (VCV001742721.2), dbSNP rs756647439, ClinGen allele CA2090326.
Genomic context (GRCh38, chr2:214,780,691, plus strand): 5'-TCATTGCTGAGGGACTAGACATCACTCGCCTGTAACTTGAACTACTTAATGTAGAAGGTG[G>T]TGTACCTGGTGAAAGACTAATGAATTCATCGGACATGTTACTGTTTTTCCTCCCTGATGT-3'
Protein context (NP_000456.2, residues 385-405): DEFISLSPGT[Pro395Thr]PSTLSSSSYR